The following is an entry in ClinVar:

ClinVar aggregate classification (germline): Uncertain significance (1 of 4 stars; one submission).

Submission:

CeGaT Center for Human Genetics Tuebingen
Classification: Uncertain significance. Last evaluated: 2025-06-01. Review status: criteria provided, single submitter. Criteria: CeGaT Center For Human Genetics Tuebingen Variant Classification Criteria Version 2. Collection method: clinical testing. Allele origin: germline. Affected: yes. Observed: 1 variant allele.
Comment: SOS2: PM2

NM_006939.4(SOS2):c.3953C>T (p.Pro1318Leu)

Gene: SOS2 (SOS Ras/Rho guanine nucleotide exchange factor 2; minus strand). Cytogenetic location: 14q21.3.
Variant type: single nucleotide variant.
Coding change: c.3953C>T on transcript NM_006939.4 (MANE Select); coding-DNA position 3953, C replaced by T.
Protein change: p.Pro1318Leu; replaces proline 1318 with leucine.
Molecular consequence: missense variant.
Genome position (GRCh38, 1-based): chr14:50,118,390, G>A on the plus strand (C>T on the coding strand, the complement: SOS2 is on the minus strand). VCF-style: chr14-50118390-G-A. GRCh37 (hg19) VCF-style: chr14-50585108-G-A.
Other names: c.3854C>T, p.Pro1285Leu (NM_001411020.1); short protein forms P1285L, P1318L.
Identifiers: ClinVar variation 4085028 (VCV004085028.8).